The following is an entry in ClinVar:

NM_001927.4(DES):c.1100T>C (p.Ile367Thr)

Gene: DES (desmin; plus strand). Cytogenetic location: 2q35.
Variant type: single nucleotide variant.
Coding change: c.1100T>C on transcript NM_001927.4 (MANE Select); coding-DNA position 1100, T replaced by C.
Protein change: p.Ile367Thr; replaces isoleucine 367 with threonine.
Molecular consequence: missense variant.
Genome position (GRCh38, 1-based): chr2:219,421,416, T>C. VCF-style: chr2-219421416-T-C. GRCh37 (hg19) VCF-style: chr2-220286138-T-C.
Other names: c.1100T>C (LRG_380t1); short protein forms I367T.
Identifiers: ClinVar variation 497856 (VCV000497856.12), dbSNP rs1480755998, ClinGen allele CA350694218.
Genomic context (GRCh38, chr2:219,421,416, plus strand): 5'-GGCAGATGCGGGAATTGGAGGACCGATTTGCCAGTGAGGCCAGTGGCTACCAGGACAACA[T>C]TGCGCGCCTGGAGGAGGAAATCCGGCACCTCAAGGATGAGATGGCCCGCCATCTGCGCGA-3'
Protein context (NP_001918.3, residues 357-377): ASEASGYQDN[Ile367Thr]ARLEEEIRHL

ClinVar aggregate classification (germline): Uncertain significance. Review status: criteria provided, multiple submitters, no conflicts (2 of 4 stars). 3 submissions from 3 submitters: Uncertain significance (3). Last evaluated 2026-03-07.

Conditions:
Cardiovascular phenotype. Identifiers: MedGen CN230736.
Desmin-related myofibrillar myopathy (MFM1). Also called: Desmin related myopathy (former name); Desmin storage myopathy (former name); Myofibrillar myopathy 1; Desminopathy; MYOFIBRILLAR MYOPATHY WITH ARRHYTHMOGENIC RIGHT VENTRICULAR CARDIOMYOPATHY; DESMIN-RELATED MYOPATHY WITH ARRHYTHMOGENIC RIGHT VENTRICULAR CARDIOMYOPATHY. Identifiers: Orphanet 363543, Orphanet 98909, MedGen C1832370, MONDO:0011076, OMIM 601419.

Allele frequency attached by ClinVar (database versions not stated): gnomAD exomes 0.00001; TOPMed 0.00002.
gnomAD v4.1: 13 of 1,614,030 alleles (0.00081%); highest among the groups gnomAD compares: Non-Finnish European, 0.0011%; no homozygotes.

Submissions (3):

Ambry Genetics
Classification: Uncertain significance for Cardiovascular phenotype. Last evaluated: 2026-03-07. Review status: criteria provided, single submitter. Criteria: Ambry Variant Classification Scheme 2023. Collection method: clinical testing. Allele origin: germline.
Comment: The p.I367T variant (also known as c.1100T>C), located in coding exon 6 of the DES gene, results from a T to C substitution at nucleotide position 1100. The isoleucine at codon 367 is replaced by threonine, an amino acid with similar properties. This amino acid position is conserved. In addition, this alteration is predicted to be deleterious by in silico analysis. Based on the available evidence, the clinical significance of this variant remains unclear.

Labcorp Genetics (formerly Invitae), Labcorp
Classification: Uncertain significance for Desmin-related myofibrillar myopathy. Last evaluated: 2025-12-19. Review status: criteria provided, single submitter. Criteria: Invitae Variant Classification Sherloc (09022015). Collection method: clinical testing. Allele origin: germline.
Comment: This sequence change replaces isoleucine, which is neutral and non-polar, with threonine, which is neutral and polar, at codon 367 of the DES protein (p.Ile367Thr). This variant is not present in population databases (gnomAD no frequency). This variant has not been reported in the literature in individuals affected with DES-related conditions. ClinVar contains an entry for this variant (Variation ID: 497856). Invitae Evidence Modeling of protein sequence and biophysical properties (such as structural, functional, and spatial information, amino acid conservation, physicochemical variation, residue mobility, and thermodynamic stability) has been performed for this missense variant. However, the output from this modeling did not meet the statistical confidence thresholds required to predict the impact of this variant on DES protein function. In summary, the available evidence is currently insufficient to determine the role of this variant in disease. Therefore, it has been classified as a Variant of Uncertain Significance.

Eurofins Ntd Llc (ga)
Classification: Uncertain significance. Last evaluated: 2016-10-14. Review status: criteria provided, single submitter. Criteria: EGL Classification Definitions 2015. Collection method: clinical testing. Allele origin: germline. Observed: 1 variant allele, 1 heterozygote.